The following is an entry in ClinVar:

ClinVar aggregate classification (germline): Uncertain significance. Review status: criteria provided, multiple submitters, no conflicts (2 of 4 stars). 2 submissions from 2 submitters: Uncertain significance (2). Last evaluated 2022-04-19.

Conditions:
Hereditary cancer-predisposing syndrome. Also called: Tumor predisposition; Neoplastic Syndromes, Hereditary; Hereditary Cancer Syndrome; Hereditary neoplastic syndrome. Identifiers: Orphanet 140162, MedGen C0027672, MeSH D009386, MONDO:0015356.
Ataxia-telangiectasia syndrome (AT). Also called: LOUIS-BAR SYNDROME; Cerebello-oculocutaneous telangiectasia; Immunodeficiency with ataxia telangiectasia; Ataxia-telangiectasia, complementation group D; AT, COMPLEMENTATION GROUP C; ATAXIA-TELANGIECTASIA, COMPLEMENTATION GROUP A. Identifiers: Orphanet 100, MedGen C0004135, MONDO:0008840, OMIM 208900.

Submissions (2):

Labcorp Genetics (formerly Invitae), Labcorp
Classification: Uncertain significance for Ataxia-telangiectasia syndrome. Last evaluated: 2022-04-19. Review status: criteria provided, single submitter. Criteria: Invitae Variant Classification Sherloc (09022015). Collection method: clinical testing. Allele origin: germline.
Comment: In summary, the available evidence is currently insufficient to determine the role of this variant in disease. Therefore, it has been classified as a Variant of Uncertain Significance. Advanced modeling of protein sequence and biophysical properties (such as structural, functional, and spatial information, amino acid conservation, physicochemical variation, residue mobility, and thermodynamic stability) performed at Invitae indicates that this missense variant is not expected to disrupt ATM protein function. This variant has not been reported in the literature in individuals affected with ATM-related conditions. This variant is not present in population databases (gnomAD no frequency). This sequence change replaces valine, which is neutral and non-polar, with isoleucine, which is neutral and non-polar, at codon 566 of the ATM protein (p.Val566Ile).

Ambry Genetics
Classification: Uncertain significance for Hereditary cancer-predisposing syndrome. Last evaluated: 2021-06-30. Review status: criteria provided, single submitter. Criteria: Ambry Variant Classification Scheme 2023. Collection method: clinical testing. Allele origin: germline.
Comment: The p.V566I variant (also known as c.1696G>A), located in coding exon 10 of the ATM gene, results from a G to A substitution at nucleotide position 1696. The valine at codon 566 is replaced by isoleucine, an amino acid with highly similar properties. This amino acid position is not well conserved in available vertebrate species. In addition, this alteration is predicted to be tolerated by in silico analysis. Since supporting evidence is limited at this time, the clinical significance of this alteration remains unclear.

NM_000051.4(ATM):c.1696G>A (p.Val566Ile)

Gene: ATM (ATM serine/threonine kinase; plus strand). Cytogenetic location: 11q22.3.
Variant type: single nucleotide variant.
Coding change: c.1696G>A on transcript NM_000051.4 (MANE Select); coding-DNA position 1696, G replaced by A.
Protein change: p.Val566Ile; replaces valine 566 with isoleucine.
Molecular consequence: missense variant.
Genome position (GRCh38, 1-based): chr11:108,251,925, G>A. VCF-style: chr11-108251925-G-A. GRCh37 (hg19) VCF-style: chr11-108122652-G-A.
Other names: c.1696G>A, p.Val566Ile (NM_001351834.2); short protein forms V566I.
Identifiers: ClinVar variation 1778236 (VCV001778236.7), dbSNP rs2135341543, ClinGen allele CA382535226.